The following is an entry in ClinVar:

ClinVar aggregate classification (germline): Uncertain significance (1 of 4 stars; one submission).

Conditions:
Familial thoracic aortic aneurysm and aortic dissection (TAAD). Also called: Thoracic aortic aneurysms and dissections. Identifiers: Orphanet 91387, MedGen C4707243, MONDO:0019625.

gnomAD v4.1: 1 of 1,613,738 alleles (0.000062%); highest among the groups gnomAD compares: Non-Finnish European, 0.000085%; no homozygotes.

Submission:

Ambry Genetics
Classification: Uncertain significance for Familial thoracic aortic aneurysm and aortic dissection. Last evaluated: 2026-05-21. Review status: criteria provided, single submitter. Criteria: Ambry Variant Classification Scheme 2023. Collection method: clinical testing. Allele origin: germline.
Comment: The p.T500R variant (also known as c.1499C>G), located in coding exon 4 of the SLC2A10 gene, results from a C to G substitution at nucleotide position 1499. The threonine at codon 500 is replaced by arginine, an amino acid with similar properties. This amino acid position is conserved. In addition, this alteration is predicted to be deleterious by in silico analysis. Based on the available evidence, the clinical significance of this variant remains unclear.

NM_030777.4(SLC2A10):c.1499C>G (p.Thr500Arg)

Gene: SLC2A10 (solute carrier family 2 member 10; plus strand). Cytogenetic location: 20q13.12.
Variant type: single nucleotide variant.
Coding change: c.1499C>G on transcript NM_030777.4 (MANE Select); coding-DNA position 1499, C replaced by G.
Protein change: p.Thr500Arg; replaces threonine 500 with arginine.
Molecular consequence: missense variant.
Genome position (GRCh38, 1-based): chr20:46,729,440, C>G. VCF-style: chr20-46729440-C-G. GRCh37 (hg19) VCF-style: chr20-45358079-C-G.
Other names: short protein forms T500R.
Identifiers: ClinVar variation 3956325 (VCV003956325.2).